The following is an entry in ClinVar:

ClinVar aggregate classification (germline): Benign. Review status: criteria provided, multiple submitters, no conflicts (2 of 4 stars). 4 submissions from 4 submitters: Benign (4). Last evaluated 2026-01-16.

Conditions:
Cataract 6 multiple types. Also called: CATARACT, AGE-RELATED CORTICAL, 2; CATARACT 6, POSTERIOR POLAR; CATARACT 6, CONGENITAL TOTAL. Identifiers: Orphanet 91492, MedGen C1861825, MONDO:0007288, OMIM 116600.

Allele frequency attached by ClinVar (database versions not stated): gnomAD exomes 0.00164 and 0.00474; ExAC 0.00547; gnomAD 0.01782 and 0.01910; TOPMed 0.02014; ESP Exome Variant Server 0.02068; 1000 Genomes Project 0.02157; 1000 Genomes Project 30x 0.02217.
gnomAD v4.1: 5,282 of 1,613,810 alleles (0.33%); highest among the groups gnomAD compares: African/African-American, 5.9%; 156 homozygotes.

Submissions (4):

Labcorp Genetics (formerly Invitae), Labcorp
Classification: Benign for Cataract 6 multiple types. Last evaluated: 2026-01-16. Review status: criteria provided, single submitter. Criteria: Invitae Variant Classification Sherloc (09022015). Collection method: clinical testing. Allele origin: germline.

GeneDx
Classification: Benign. Last evaluated: 2018-05-31. Review status: criteria provided, single submitter. Criteria: GeneDx Variant Classification (06012015). Collection method: clinical testing. Allele origin: germline. Affected: yes.
Comment: This variant is considered likely benign or benign based on one or more of the following criteria: it is a conservative change, it occurs at a poorly conserved position in the protein, it is predicted to be benign by multiple in silico algorithms, and/or has population frequency not consistent with disease.

Illumina Laboratory Services, Illumina
Classification: Benign for Cataract 6 multiple types. Last evaluated: 2018-01-13. Review status: criteria provided, single submitter. Criteria: ICSL Variant Classification Criteria 13 December 2019. Collection method: clinical testing. Allele origin: germline.
Comment: This variant was observed in the ICSL laboratory as part of a predisposition screen in an ostensibly healthy population. It had not been previously curated by ICSL or reported in the Human Gene Mutation Database (HGMD: prior to June 1st, 2018), and was therefore a candidate for classification through an automated scoring system. Utilizing variant allele frequency, disease prevalence and penetrance estimates, and inheritance mode, an automated score was calculated to assess if this variant is too frequent to cause the disease. Based on the score and internal cut-off values, a variant classified as benign is not then subjected to further curation. The score for this variant resulted in a classification of benign for this disease.

Breakthrough Genomics
Classification: Benign. Review status: criteria provided, single submitter. Criteria: ACMG Guidelines, 2015. Collection method: not provided. Allele origin: germline. Inheritance: Autosomal dominant inheritance. Affected: yes.

NM_004431.5(EPHA2):c.1892T>C (p.Met631Thr)

Gene: EPHA2 (EPH receptor A2; minus strand). Cytogenetic location: 1p36.13.
Variant type: single nucleotide variant.
Coding change: c.1892T>C on transcript NM_004431.5 (MANE Select); coding-DNA position 1892, T replaced by C.
Protein change: p.Met631Thr; replaces methionine 631 with threonine.
Molecular consequence: missense variant.
Genome position (GRCh38, 1-based): chr1:16,133,341, A>G on the plus strand (T>C on the coding strand, the complement: EPHA2 is on the minus strand). VCF-style: chr1-16133341-A-G. GRCh37 (hg19) VCF-style: chr1-16459836-A-G.
Other names: c.1730T>C, p.Met577Thr (NM_001329090.2); short protein forms M631T, M577T.
Identifiers: ClinVar variation 293420 (VCV000293420.17), dbSNP rs34021505, ClinGen allele CA625004.
Genomic context (GRCh38, chr1:16,133,341, plus strand): 5'-CCGGCTTTCAGCGTCTTGATGGCCACCGGCACCTCCTTCTTCCCCGAGGATGTCTTCAGC[A>G]TGCCCTTGTACACCTCCCCAAACTCTCCTGTGGGCAGACAGGGTCAGGGGAGTGCCCTGG-3'
Protein context (NP_004422.2, residues 621-641): AGEFGEVYKG[Met631Thr]LKTSSGKKEV